The following is an entry in ClinVar:

NM_000492.4(CFTR):c.738G>C (p.Lys246Asn)

Gene: CFTR (CF transmembrane conductance regulator; plus strand). Cytogenetic location: 7q31.2.
Variant type: single nucleotide variant.
Coding change: c.738G>C on transcript NM_000492.4 (MANE Select); coding-DNA position 738, G replaced by C.
Protein change: p.Lys246Asn; replaces lysine 246 with asparagine.
Molecular consequence: missense variant.
Genome position (GRCh38, 1-based): chr7:117,535,406, G>C. VCF-style: chr7-117535406-G-C. GRCh37 (hg19) VCF-style: chr7-117175460-G-C.
Other names: short protein forms K246N.
Identifiers: ClinVar variation 3266689 (VCV003266689.1).

ClinVar aggregate classification (germline): Uncertain significance (1 of 4 stars; one submission).

Conditions:
Cystic fibrosis (CF). Also called: MUCOVISCIDOSIS. Identifiers: Orphanet 586, MedGen C0010674, MONDO:0009061, OMIM 219700. Disease mechanism: loss of function.

Submission:

Ambry Genetics
Classification: Uncertain significance for Cystic fibrosis. Last evaluated: 2024-05-27. Review status: criteria provided, single submitter. Criteria: Ambry Variant Classification Scheme 2023. Collection method: clinical testing. Allele origin: germline.
Comment: The p.K246N variant (also known as c.738G>C), located in coding exon 6 of the CFTR gene, results from a G to C substitution at nucleotide position 738. The lysine at codon 246 is replaced by asparagine, an amino acid with similar properties. This amino acid position is conserved. In addition, this alteration is predicted to be tolerated by in silico analysis. Based on the available evidence, the clinical significance of this variant remains unclear.